The following is an entry in ClinVar:

ClinVar aggregate classification (germline): Uncertain significance (1 of 4 stars; one submission).

Conditions:
Deficiency of cytochrome-b5 reductase. Also called: METHEMOGLOBINEMIA, CONGENITAL, AUTOSOMAL RECESSIVE; NADH-DEPENDENT METHEMOGLOBIN REDUCTASE DEFICIENCY. Identifiers: Orphanet 621, MedGen C0268193, MONDO:0009606, OMIM 250800.

Submission:

Neuberg Centre For Genomic Medicine, NCGM
Classification: Uncertain significance for Deficiency of cytochrome-b5 reductase. Review status: criteria provided, single submitter. Criteria: ACMG Guidelines, 2015. Collection method: clinical testing. Allele origin: germline. Inheritance: Autosomal recessive inheritance. Affected: yes.
Comment: The missense variant c.801G>T (p.Lys267Asn) in CYB5R3 gene has not been reported previously as a pathogenic variant nor as a benign variant, to our knowledge. The p.Lys267Asn variant is novel (not in any individuals) in gnomAD Exomes and 1000 Genomes. The amino acid Lys at position 267 is changed to a Asn changing protein sequence and it might alter its composition and physico-chemical properties. The variant is predicted to be damaging by PolyPhen2 and the residue is conserved across species. The amino acid change p.Lys267Asn in CYB5R3 is predicted as conserved by GERP++ and PhyloP across 100 vertebrates. For these reasons, this variant has been classified as Uncertain Significance

NM_000398.7(CYB5R3):c.702G>T (p.Lys234Asn)

Gene: CYB5R3 (cytochrome b5 reductase 3; minus strand). Cytogenetic location: 22q13.2.
Variant type: single nucleotide variant.
Coding change: c.702G>T on transcript NM_000398.7 (MANE Select); coding-DNA position 702, G replaced by T.
Protein change: p.Lys234Asn; replaces lysine 234 with asparagine.
Molecular consequence: missense variant.
Genome position (GRCh38, 1-based): chr22:42,623,820, C>A on the plus strand (G>T on the coding strand, the complement: CYB5R3 is on the minus strand). VCF-style: chr22-42623820-C-A. GRCh37 (hg19) VCF-style: chr22-43019826-C-A.
Other names: c.702G>T, p.Lys234Asn (NM_001031678.1); c.633G>T, p.Lys211Asn (NM_001129819.2, NM_001171661.1, NM_007326.4); c.801G>T, p.Lys267Asn (NM_001171660.2); short protein forms K234N, K267N, K211N.
Identifiers: ClinVar variation 2585487 (VCV002585487.1), dbSNP rs199593698, ClinGen allele CA411796394.